The following is an entry in ClinVar:

NM_018706.7(DHTKD1):c.153A>T (p.Pro51=)

Genes: DHTKD1 (dehydrogenase E1 and transketolase domain containing 1; plus strand), LOC130003343 (ATAC-STARR-seq lymphoblastoid silent region 2137; plus strand). Cytogenetic location: 10p14.
Variant type: single nucleotide variant.
Coding change: c.153A>T on transcript NM_018706.7 (MANE Select); coding-DNA position 153, A replaced by T.
Protein change: p.Pro51=; no amino-acid change (proline 51 retained).
Molecular consequence: synonymous variant.
Genome position (GRCh38, 1-based): chr10:12,069,186, A>T. VCF-style: chr10-12069186-A-T. GRCh37 (hg19) VCF-style: chr10-12111185-A-T.
Identifiers: ClinVar variation 2881306 (VCV002881306.3), dbSNP rs2491445944, ClinGen allele CA468221607.

ClinVar aggregate classification (germline): Uncertain significance (1 of 4 stars; one submission).

Conditions:
2-aminoadipic 2-oxoadipic aciduria (AAKAD). Also called: Aminoadipic aciduria; ALPHA-AMINOADIPIC AND ALPHA-KETOADIPIC ACIDURIA. Identifiers: Orphanet 79154, MedGen C1859817, MONDO:0008774, OMIM 204750.

Submission:

Labcorp Genetics (formerly Invitae), Labcorp
Classification: Uncertain significance for 2-aminoadipic 2-oxoadipic aciduria. Last evaluated: 2023-10-11. Review status: criteria provided, single submitter. Criteria: Invitae Variant Classification Sherloc (09022015). Collection method: clinical testing. Allele origin: germline.
Comment: This sequence change affects codon 51 of the DHTKD1 mRNA. It is a 'silent' change, meaning that it does not change the encoded amino acid sequence of the DHTKD1 protein. It affects a nucleotide within the consensus splice site. This variant is not present in population databases (gnomAD no frequency). This variant has not been reported in the literature in individuals affected with DHTKD1-related conditions. Algorithms developed to predict the effect of sequence changes on RNA splicing suggest that this variant may disrupt the consensus splice site. In summary, the available evidence is currently insufficient to determine the role of this variant in disease. Therefore, it has been classified as a Variant of Uncertain Significance.